The following is an entry in ClinVar:

ClinVar aggregate classification (germline): Uncertain significance (1 of 4 stars; one submission).

Submission:

GeneDx
Classification: Uncertain significance. Last evaluated: 2020-02-21. Review status: criteria provided, single submitter. Criteria: GeneDx Variant Classification Process June 2021. Collection method: clinical testing. Allele origin: germline. Affected: yes.
Comment: Not observed in large population cohorts (Lek et al., 2016); Frameshift variant predicted to result in protein truncation as the last 11 amino acids are replaced with 37 different amino acids, although loss-of-function variants have not been reported downstream of this position in the protein; Has not been previously published as pathogenic or benign to our knowledge; Variants in candidate genes are classified as variants of uncertain significance in accordance with ACMG guidelines (Richards et al., 2015)

NM_013437.5(LRP12):c.2545del (p.Glu849fs)

Gene: LRP12 (LDL receptor related protein 12; minus strand). Cytogenetic location: 8q22.3.
Variant type: Deletion.
Coding change: c.2545del on transcript NM_013437.5 (MANE Select); coding-DNA position 2545, one base deleted (G; older notation c.2545delG).
Protein change: p.Glu849fs; shifts the reading frame from glutamic acid 849.
Molecular consequence: frameshift variant.
Genome position (GRCh38, 1-based): chr8:104,490,708, C deleted on the plus strand (G on the coding strand, the reverse complement: LRP12 is on the minus strand). VCF-style (leftmost placement, unchanged base first): chr8-104490707-TC-T. GRCh37 (hg19) VCF-style: chr8-105502935-TC-T.
Other names: c.2488del, p.Glu830fs (NM_001135703.3); short protein forms E830fs, E849fs.
Identifiers: ClinVar variation 1315089 (VCV001315089.2), dbSNP rs2140824453, ClinGen allele CA2573052960.
Genomic context (GRCh38, chr8:104,490,707, plus strand): 5'-TACAATCTCCCTTATGTGATTCGTACCTAACAAAGTAACAAAGCCTCATCATCACTCGTT[TC>T]GTTTTTCAGTGTTACTTCTAAGCAAGTGTCTGGTATCTGGGCAGTGTGGACAATACCACA-3'